The following is an entry in ClinVar:

NM_001429.4(EP300):c.7070A>G (p.Asn2357Ser)

Gene: EP300 (EP300 lysine acetyltransferase; plus strand). Cytogenetic location: 22q13.2.
Variant type: single nucleotide variant.
Coding change: c.7070A>G on transcript NM_001429.4 (MANE Select); coding-DNA position 7070, A replaced by G.
Protein change: p.Asn2357Ser; replaces asparagine 2357 with serine.
Molecular consequence: missense variant.
Genome position (GRCh38, 1-based): chr22:41,178,781, A>G. VCF-style: chr22-41178781-A-G. GRCh37 (hg19) VCF-style: chr22-41574785-A-G.
Other names: c.6992A>G, p.Asn2331Ser (NM_001362843.2); short protein forms N2331S, N2357S.
Identifiers: ClinVar variation 660420 (VCV000660420.12), dbSNP rs147304540, ClinGen allele CA10254026.

ClinVar aggregate classification (germline): Likely benign. Review status: criteria provided, multiple submitters, no conflicts (2 of 4 stars). 2 submissions from 2 submitters: Likely benign (2). Last evaluated 2025-09-09.

Conditions:
Rubinstein-Taybi syndrome due to EP300 haploinsufficiency. Also called: EP300-Related Rubinstein-Taybi Syndrome; RUBINSTEIN-TAYBI SYNDROME 2. Identifiers: Orphanet 353284, Orphanet 783, MedGen C3150941, MONDO:0013364, OMIM 613684.
EP300-related disorder. Also called: EP300-related condition; EP300-related disorders.

Allele frequency attached by ClinVar (database versions not stated): TOPMed 0.00001.
gnomAD v4.1: 5 of 1,613,910 alleles (0.00031%); highest among the groups gnomAD compares: Admixed American, 0.005%; no homozygotes.

Submissions (2):

PreventionGenetics, part of Exact Sciences
Classification: Likely benign for EP300-related condition. Last evaluated: 2025-09-09. Review status: criteria provided, single submitter. Criteria: ACMG Guidelines, 2015. Collection method: clinical testing. Allele origin: germline.
Comment: This variant is classified as likely benign based on ACMG/AMP sequence variant interpretation guidelines (Richards et al. 2015 PMID: 25741868, with internal and published modifications).

Labcorp Genetics (formerly Invitae), Labcorp
Classification: Likely benign for Rubinstein-Taybi syndrome due to EP300 haploinsufficiency. Last evaluated: 2024-02-05. Review status: criteria provided, single submitter. Criteria: Invitae Variant Classification Sherloc (09022015). Collection method: clinical testing. Allele origin: germline.